The following is an entry in ClinVar:

ClinVar aggregate classification (germline): Pathogenic (1 of 4 stars; one submission).

Conditions:
Multiple endocrine neoplasia, type 1 (MEN1). Also called: MEN I; WERMER SYNDROME; Endocrine adenomatosis multiple; MEN 1; MEA I. Identifiers: Orphanet 652, MedGen C0025267, MeSH D018761, MONDO:0007540, OMIM 131100.

Submission:

Women's Health and Genetics/Laboratory Corporation of America, LabCorp
Classification: Pathogenic for Multiple endocrine neoplasia, type 1. Last evaluated: 2026-02-11. Review status: criteria provided, single submitter. Criteria: LabCorp Variant Classification Summary - May 2015. Collection method: clinical testing. Allele origin: germline.
Comment: Variant summary: MEN1 c.979delT (p.Tyr327ThrfsX41) results in a premature termination codon, predicted to cause a truncation of the encoded protein or absence of the protein due to nonsense mediated decay, which are commonly known mechanisms for disease. The variant was absent in 251474 control chromosomes (gnomAD). c.979delT has been observed in at least one individual affected with Multiple Endocrine Neoplasia Type 1 (Bassett_1998). To our knowledge, no experimental evidence demonstrating an impact on protein function has been reported. The following publications have been ascertained in the context of this evaluation (PMID: 9463336, 9709921, 12112656, 17623761). No submitters have cited clinical-significance assessments for this variant to ClinVar. Based on the evidence outlined above, the variant was classified as pathogenic.

Literature cited by the submitters: PubMed 9463336; PubMed 9709921; PubMed 12112656; PubMed 17623761.

NM_001370259.2(MEN1):c.979del (p.Tyr327fs)

Gene: MEN1 (menin 1; minus strand). Cytogenetic location: 11q13.1.
Variant type: Deletion.
Coding change: c.979del on transcript NM_001370259.2 (MANE Select); coding-DNA position 979, one base deleted (T; older notation c.979delT).
Protein change: p.Tyr327fs; shifts the reading frame from tyrosine 327.
Molecular consequence: frameshift variant. On other transcripts: non-coding transcript variant (4).
Genome position (GRCh38, 1-based): chr11:64,806,302, A deleted on the plus strand (T on the coding strand, the reverse complement: MEN1 is on the minus strand). VCF-style (leftmost placement, unchanged base first): chr11-64806301-TA-T. GRCh37 (hg19) VCF-style: chr11-64573773-TA-T.
Other names: c.979delT (NM_130799.3); c.979del, p.Tyr327fs (NM_001407147.1, NM_001407152.1, NM_130799.3 and 7 more transcripts); c.874del, p.Tyr292fs (NM_001407148.1, NM_001407149.1, NM_001407151.1 and 2 more transcripts); c.994del, p.Tyr332fs (NM_001407150.1, NM_130800.3, NM_130801.3 and 5 more transcripts); short protein forms Y292fs, Y327fs, Y332fs.
Identifiers: ClinVar variation 4847918 (VCV004847918.1).
Genomic context (GRCh38, chr11:64,806,301, plus strand): 5'-ACAGTGGCCGTGTCCGCCCAGGCCTGCAGGGCTTCCCGCACATTGCGGTTGCGACAGTGG[TA>T]GCCAGCCAGGTACATGTAGGGGTAGATGTGTTCATCCCGATAGTAGGTCTTGGCTGAGGC-3'